The following is an entry in ClinVar:

ClinVar aggregate classification (germline): Conflicting classifications of pathogenicity. Review status: criteria provided, conflicting classifications (1 of 4 stars). 5 submissions from 5 submitters: Pathogenic (1); Likely pathogenic (3); Uncertain significance (1). Last evaluated 2025-11-22.

Conditions:
Thyroid dyshormonogenesis 6 (TDH6). Also called: HYPOTHYROIDISM, CONGENITAL, DUE TO DYSHORMONOGENESIS, 6; THYROID HORMONOGENESIS, GENETIC DEFECT IN, 6; Genetic transient congenital hypothyroidism. Identifiers: Orphanet 226316, Orphanet 95716, MedGen C1846632, MONDO:0011792, OMIM 607200.

Allele frequency attached by ClinVar (database versions not stated): gnomAD 0.00009 and 0.00006; gnomAD exomes 0.00015 and 0.00003; ExAC 0.00018; 1000 Genomes Project 0.00060; 1000 Genomes Project 30x 0.00062.

Submissions (5):

Otogenetics
Classification: Likely pathogenic for Thyroid dyshormonogenesis 6. Last evaluated: 2025-11-22. Review status: criteria provided, single submitter. Criteria: ACMG Guidelines, 2015. Collection method: clinical testing. Allele origin: germline.
Comment: PM2: Maximum gnomAD MAF of 0.0053% in European-Non Finnish (NFE) subpopulation (<0.251% threshold); PM3_Strong: Variant reported in trans with 3 pathogenic variants in 4 individuals affected with congenital hypothyroidism (PMID: 29650690, 34276565, 37906150)

Labcorp Genetics (formerly Invitae), Labcorp
Classification: Pathogenic. Last evaluated: 2025-08-14. Review status: criteria provided, single submitter. Criteria: Invitae Variant Classification Sherloc (09022015). Collection method: clinical testing. Allele origin: germline.
Comment: This sequence change replaces arginine, which is basic and polar, with tryptophan, which is neutral and slightly polar, at codon 169 of the DUOX2 protein (p.Arg169Trp). This variant is present in population databases (rs201590426, gnomAD 0.2%). This missense change has been observed in individual(s) with DUOX2-related conditions (PMID: 29650690, 30894704, 34276565). It has also been observed to segregate with disease in related individuals. ClinVar contains an entry for this variant (Variation ID: 1517265). Invitae Evidence Modeling of protein sequence and biophysical properties (such as structural, functional, and spatial information, amino acid conservation, physicochemical variation, residue mobility, and thermodynamic stability) indicates that this missense variant is expected to disrupt DUOX2 protein function with a positive predictive value of 80%. This variant disrupts the p.Arg169 amino acid residue in DUOX2. Other variant(s) that disrupt this residue have been determined to be pathogenic (internal data). This suggests that this residue is clinically significant, and that variants that disrupt this residue are likely to be disease-causing. For these reasons, this variant has been classified as Pathogenic.

Fulgent Genetics
Classification: Likely pathogenic for Thyroid dyshormonogenesis 6. Last evaluated: 2024-06-24. Review status: criteria provided, single submitter. Criteria: ACMG Guidelines, 2015. Collection method: clinical testing. Allele origin: germline.

Revvity Omics, Revvity
Classification: Uncertain significance for Thyroid dyshormonogenesis 6. Last evaluated: 2020-07-17. Review status: criteria provided, single submitter. Criteria: ACMG Guidelines, 2015. Collection method: clinical testing. Allele origin: germline.

Juno Genomics, Hangzhou Juno Genomics, Inc
Classification: Likely pathogenic for Thyroid dyshormonogenesis 6. Review status: criteria provided, single submitter. Criteria: ACMG Guidelines, 2015. Collection method: clinical testing. Allele origin: germline. Affected: yes.
Comment: For recessive disorders, detected in trans with a pathogenic variant.;Co-segregation with disease in multiple affected family members.;Patient's phenotype or family history is highly specific for a disease with a single genetic etiology.

Literature cited by the submitters: PubMed 29650690 (cited by Otogenetics and Labcorp Genetics (formerly Invitae), Labcorp); PubMed 34276565 (cited by Otogenetics and Labcorp Genetics (formerly Invitae), Labcorp); PubMed 37906150 (cited by Otogenetics); PubMed 30894704 (cited by Labcorp Genetics (formerly Invitae), Labcorp).

NM_001363711.2(DUOX2):c.505C>T (p.Arg169Trp)

Gene: DUOX2 (dual oxidase 2; minus strand). Cytogenetic location: 15q21.1.
Variant type: single nucleotide variant.
Coding change: c.505C>T on transcript NM_001363711.2 (MANE Select); coding-DNA position 505, C replaced by T.
Protein change: p.Arg169Trp; replaces arginine 169 with tryptophan.
Molecular consequence: missense variant.
Genome position (GRCh38, 1-based): chr15:45,111,776, G>A on the plus strand (C>T on the coding strand, the complement: DUOX2 is on the minus strand). VCF-style: chr15-45111776-G-A. GRCh37 (hg19) VCF-style: chr15-45403974-G-A.
Other names: c.505C>T, p.Arg169Trp (NM_014080.5); short protein forms R169W.
Identifiers: ClinVar variation 1517265 (VCV001517265.15), dbSNP rs201590426, ClinGen allele CA7538940.